The following is an entry in ClinVar:

ClinVar aggregate classification (germline): Benign/Likely benign. Review status: criteria provided, multiple submitters, no conflicts (2 of 4 stars). 8 submissions from 8 submitters: Benign (3); Likely benign (4). 1 of the submissions does not count toward it. Last evaluated 2026-03-01.

Conditions:
Cardioencephalomyopathy, fatal infantile, due to cytochrome c oxidase deficiency 1 (MC4DN2). Also called: MITOCHONDRIAL COMPLEX IV DEFICIENCY, NUCLEAR TYPE 2; CYTOCHROME c OXIDASE DEFICIENCY, FATAL INFANTILE, WITH CARDIOENCEPHALOMYOPATHY. Identifiers: Orphanet 1561, MedGen C5399977, MONDO:0011451, OMIM 604377.
Mitochondrial complex IV deficiency, nuclear type 1 (MC4DN1). Also called: Mitochondrial complex IV deficiency; COX DEFICIENCY; Complex 4 mitochondrial respiratory chain deficiency; Deficiency of mitochondrial respiratory chain complex4; Complex IV deficiency. Identifiers: MedGen C5435656, MONDO:0700250, OMIM 220110. Disease mechanism: loss of function.

Allele frequency attached by ClinVar (database versions not stated): ExAC 0.00292; ESP Exome Variant Server 0.00877; gnomAD 0.00880 and 0.00949; TOPMed 0.00951; 1000 Genomes Project 0.01218; 1000 Genomes Project 30x 0.01218.
gnomAD v4.1: 2,638 of 1,613,760 alleles (0.16%); highest among the groups gnomAD compares: African/African-American, 3.1%; 35 homozygotes.

Submissions (8):

CeGaT Center for Human Genetics Tuebingen
Classification: Likely benign. Last evaluated: 2026-03-01. Review status: criteria provided, single submitter. Criteria: CeGaT Center For Human Genetics Tuebingen Variant Classification Criteria Version 2. Collection method: clinical testing. Allele origin: germline. Affected: yes. Observed: 4 variant alleles.
Comment: SCO2: BP4

Labcorp Genetics (formerly Invitae), Labcorp
Classification: Benign. Last evaluated: 2026-01-31. Review status: criteria provided, single submitter. Criteria: Invitae Variant Classification Sherloc (09022015). Collection method: clinical testing. Allele origin: germline.

Mendelics
Classification: Benign for Mitochondrial complex IV deficiency, nuclear type 1. Last evaluated: 2019-05-28. Review status: criteria provided, single submitter. Criteria: Mendelics Assertion Criteria 2017. Collection method: clinical testing. Allele origin: unknown.

GeneDx
Classification: Benign. Last evaluated: 2019-01-17. Review status: criteria provided, single submitter. Criteria: GeneDx Variant Classification Process June 2021. Collection method: clinical testing. Allele origin: germline. Affected: yes.
Comment: This variant is associated with the following publications: (PMID: 23643385)

Illumina Laboratory Services, Illumina
Classification: Likely benign for Cardioencephalomyopathy, fatal infantile, due to cytochrome c oxidase deficiency 1. Last evaluated: 2017-04-27. Review status: criteria provided, single submitter. Criteria: ICSL Variant Classification Criteria 13 December 2019. Collection method: clinical testing. Allele origin: germline.
Comment: This variant was observed as part of a predisposition screen in an ostensibly healthy population. A literature search was performed for the gene, cDNA change, and amino acid change (where applicable). Publications were found based on this search. The evidence from the literature, in combination with allele frequency data from public databases where available, was sufficient to determine this variant is unlikely to cause disease. Therefore, this variant is classified as likely benign.

Center for Pediatric Genomic Medicine, Children's Mercy Hospital and Clinics
Classification: Likely benign. Last evaluated: 2016-12-09. Review status: criteria provided, single submitter. Criteria: ACMG Guidelines, 2015. Collection method: clinical testing. Allele origin: germline.
ClinVar note: Converted during submission from Likely Benign to Likely benign.

Breakthrough Genomics
Classification: Likely benign. Review status: criteria provided, single submitter. Criteria: ACMG Guidelines, 2015. Collection method: not provided. Allele origin: germline. Inheritance: Autosomal recessive inheritance. Affected: yes.

Mayo Clinic Laboratories, Mayo Clinic
Classification: Likely benign. Last evaluated: 2016-03-16. Review status: no assertion criteria provided. Collection method: clinical testing. Allele origin: unknown. Not counted in ClinVar's aggregate classification.

Literature cited by the submitters: PubMed 23643385 (cited by Illumina Laboratory Services, Illumina).

NM_005138.3(SCO2):c.776C>T (p.Ala259Val)

Genes: NCAPH2 (non-SMC condensin II complex subunit H2; plus strand), SCO2 (synthesis of cytochrome C oxidase 2; minus strand). Cytogenetic location: 22q13.33.
Variant type: single nucleotide variant.
Coding change: c.776C>T on transcript NM_005138.3 (MANE Select); coding-DNA position 776, C replaced by T.
Protein change: p.Ala259Val; replaces alanine 259 with valine.
Molecular consequence: missense variant. On other transcripts: 3 prime UTR variant (2).
Genome position (GRCh38, 1-based): chr22:50,523,636, G>A on the plus strand (C>T on the coding strand, the complement: SCO2 is on the minus strand). VCF-style: chr22-50523636-G-A. GRCh37 (hg19) VCF-style: chr22-50962065-G-A.
Other names: p.A259V:GCG>GTG; c.*261G>A (NM_001185011.2, NM_152299.4); c.776C>T, p.Ala259Val (NM_001169109.2, NM_001169110.1, NM_001169111.2); short protein forms A259V.
Identifiers: ClinVar variation 139088 (VCV000139088.48), dbSNP rs8139305, ClinGen allele CA293456.